The following is an entry in ClinVar:

NM_001142864.4(PIEZO1):c.4539C>G (p.Phe1513Leu)

Gene: PIEZO1 (piezo type mechanosensitive ion channel component 1 (Er blood group); minus strand). Cytogenetic location: 16q24.3.
Variant type: single nucleotide variant.
Coding change: c.4539C>G on transcript NM_001142864.4 (MANE Select); coding-DNA position 4539, C replaced by G.
Protein change: p.Phe1513Leu; replaces phenylalanine 1513 with leucine.
Molecular consequence: missense variant.
Genome position (GRCh38, 1-based): chr16:88,722,966, G>C on the plus strand (C>G on the coding strand, the complement: PIEZO1 is on the minus strand). VCF-style: chr16-88722966-G-C. GRCh37 (hg19) VCF-style: chr16-88789374-G-C.
Other names: c.4539C>G (NM_001142864.3); short protein forms F1513L.
Identifiers: ClinVar variation 1329703 (VCV001329703.9), dbSNP rs377025920, ClinGen allele CA8232109.

ClinVar aggregate classification (germline): Conflicting classifications of pathogenicity. Review status: criteria provided, conflicting classifications (1 of 4 stars). 5 submissions from 5 submitters: Uncertain significance (3); Benign (1). 1 of the submissions does not count toward it. Last evaluated 2025-10-06.

Conditions:
Inborn genetic diseases. Identifiers: MedGen C0950123, MeSH D030342.
PIEZO1-related disorder. Also called: PIEZO1-related condition; PIEZO1-Related Disorders.

Allele frequency attached by ClinVar (database versions not stated): gnomAD 0.00039 and 0.00040; TOPMed 0.00040; gnomAD exomes 0.00005; ExAC 0.00024.
gnomAD v4.1: 112 of 1,543,570 alleles (0.0073%); highest among the groups gnomAD compares: African/African-American, 0.11%; 1 homozygote.

Submissions (5):

Ambry Genetics
Classification: Uncertain significance for Inborn genetic diseases. Last evaluated: 2025-10-06. Review status: criteria provided, single submitter. Criteria: Ambry Variant Classification Scheme 2023. Collection method: clinical testing. Allele origin: germline.

Labcorp Genetics (formerly Invitae), Labcorp
Classification: Benign. Last evaluated: 2025-10-03. Review status: criteria provided, single submitter. Criteria: Invitae Variant Classification Sherloc (09022015). Collection method: clinical testing. Allele origin: germline.

Revvity Omics, Revvity
Classification: Uncertain significance. Last evaluated: 2024-09-24. Review status: criteria provided, single submitter. Criteria: ACMG Guidelines, 2015. Collection method: clinical testing. Allele origin: germline.

GeneDx
Classification: Uncertain significance. Last evaluated: 2021-06-27. Review status: criteria provided, single submitter. Criteria: GeneDx Variant Classification Process June 2021. Collection method: clinical testing. Allele origin: germline. Affected: yes.
Comment: In silico analysis supports that this missense variant has a deleterious effect on protein structure/function; Has not been previously published as pathogenic or benign to our knowledge; This variant is associated with the following publications: (PMID: 27535533)

PreventionGenetics, part of Exact Sciences
Classification: Uncertain significance for PIEZO1-related condition. Last evaluated: 2023-12-19. Review status: no assertion criteria provided. Collection method: clinical testing. Allele origin: germline. Not counted in ClinVar's aggregate classification.
Comment: The PIEZO1 c.4539C>G variant is predicted to result in the amino acid substitution p.Phe1513Leu. To our knowledge, this variant has not been reported in the literature. This variant is reported in 0.15% of alleles in individuals of African descent in gnomAD. Although we suspect that this variant may be benign, at this time, the clinical significance of this variant is uncertain due to the absence of conclusive functional and genetic evidence.